The following is an entry in ClinVar:

ClinVar aggregate classification (germline): Likely pathogenic (1 of 4 stars; one submission).

Allele frequency attached by ClinVar (database versions not stated): gnomAD exomes below 0.00001; TOPMed below 0.00001.
gnomAD v4.1: 1 of 1,612,710 alleles (0.000062%); highest among the groups gnomAD compares: Non-Finnish European, 0.000085%; no homozygotes.

Submission:

GeneDx
Classification: Likely pathogenic. Last evaluated: 2018-01-11. Review status: criteria provided, single submitter. Criteria: GeneDx Variant Classification (06012015). Collection method: clinical testing. Allele origin: germline. Affected: yes.
Comment: The c.1501+2 T>C variant has not been published as a pathogenic variant, nor has it been reported as a benign variant to our knowledge. The c.1501+2 T>C variant is not observed in large population cohorts (Lek et al., 2016). The c.1501+2 T>C variant destroys the canonical splice donor site in intron 14. It is predicted to cause abnormal gene splicing, either leading to an abnormal message that is subject to nonsense-mediated mRNA decay, or to an abnormal protein product if the message is used for protein translation. In summary, we interpret this variant as likely pathogenic.

NM_032861.4(SERAC1):c.1501+2T>C

Gene: SERAC1 (serine active site containing 1; minus strand). Cytogenetic location: 6q25.3.
Variant type: single nucleotide variant.
Coding change: c.1501+2T>C on transcript NM_032861.4 (MANE Select); the canonical splice donor site of the intron after coding-DNA position 1501, T replaced by C.
Molecular consequence: splice donor variant.
Genome position (GRCh38, 1-based): chr6:158,116,183, A>G on the plus strand (T>C on the coding strand, the complement: SERAC1 is on the minus strand). VCF-style: chr6-158116183-A-G. GRCh37 (hg19) VCF-style: chr6-158537215-A-G.
Identifiers: ClinVar variation 489314 (VCV000489314.2), dbSNP rs1554261245, ClinGen allele CA366255781.
Genomic context (GRCh38, chr6:158,116,183, plus strand): 5'-TGGCCACAGTGGCTGAAAATAACATCACAATGGCCACTTCACAAAGTTGAAGCCACACTT[A>G]CCTCCCATGCTATGTGATATCCAAACCACTGGCCTATCCCCAACACCAGCAGCTCTGAGC-3'